The following is an entry in ClinVar:

NM_001267550.2(TTN):c.107290G>T (p.Ala35764Ser)

Genes: TTN (titin; minus strand), TTN-AS1 (TTN antisense RNA 1; plus strand). Cytogenetic location: 2q31.2.
Variant type: single nucleotide variant.
Coding change: c.107290G>T on transcript NM_001267550.2 (MANE Select); coding-DNA position 107290, G replaced by T.
Protein change: p.Ala35764Ser; replaces alanine 35764 with serine.
Molecular consequence: missense variant.
Genome position (GRCh38, 1-based): chr2:178,528,361, C>A on the plus strand (G>T on the coding strand, the complement: TTN is on the minus strand). VCF-style: chr2-178528361-C-A. GRCh37 (hg19) VCF-style: chr2-179393088-C-A.
Other names: c.102367G>T, p.Ala34123Ser (NM_001256850.1); c.80095G>T, p.Ala26699Ser (NM_003319.4); c.99586G>T, p.Ala33196Ser (NM_133378.4); c.80470G>T, p.Ala26824Ser (NM_133432.3); c.80671G>T, p.Ala26891Ser (NM_133437.4); short protein forms A35764S, A26824S, A33196S, A26699S, A34123S, A26891S.
Identifiers: ClinVar variation 534983 (VCV000534983.10), dbSNP rs879048717, ClinGen allele CA60949905.
Genomic context (GRCh38, chr2:178,528,361, plus strand): 5'-AACACTGGCCACGGAAATTTTTGGCCTTAATTGTGTACTTTCCACTGTCGCTGACTGATG[C>A]ATTTCGGATTTCAAGGGAGTATACATTTCTGGAGCGGCTTATGCTGACATTTGAAGAAAT-3'
Protein context (NP_001254479.2, residues 35754-35774): RNVYSLEIRN[Ala35764Ser]SVSDSGKYTI

ClinVar aggregate classification (germline): Uncertain significance. Review status: criteria provided, multiple submitters, no conflicts (2 of 4 stars). 3 submissions from 3 submitters: Uncertain significance (3). Last evaluated 2025-11-25.

Conditions:
Autosomal recessive limb-girdle muscular dystrophy type 2J (LGMDR10). Also called: Limb-girdle muscular dystrophy, type 2J; MUSCULAR DYSTROPHY, LIMB-GIRDLE, AUTOSOMAL RECESSIVE 10. Identifiers: Orphanet 140922, MedGen C1837342, MONDO:0012127, OMIM 608807.
Dilated cardiomyopathy 1G (CMD1G). Identifiers: Orphanet 154, MedGen C1858763, MONDO:0011400, OMIM 604145.
Hypertrophic cardiomyopathy 9. Also called: Familial hypertrophic cardiomyopathy 9. Identifiers: MedGen C1861065, MONDO:0013412, OMIM 613765.
Tibial muscular dystrophy (TMD). Also called: UDD MYOPATHY; Udd Distal Myopathy – Tibial Muscular Dystrophy; Tibial muscular dystrophy, tardive. Identifiers: Orphanet 609, MedGen C1838244, MONDO:0010870, OMIM 600334.
Early-onset myopathy with fatal cardiomyopathy (CMYO5). Also called: CONGENITAL MYOPATHY 5 WITH CARDIOMYOPATHY; Salih Myopathy. Identifiers: Orphanet 289377, MedGen C2673677, MONDO:0012714, OMIM 611705. Disease mechanism: loss of function.
Myopathy, myofibrillar, 9, with early respiratory failure (MFM9). Also called: EDSTROM MYOPATHY; MYOPATHY, PROXIMAL, WITH EARLY RESPIRATORY MUSCLE INVOLVEMENT; Hereditary myopathy with early respiratory failure; Myopathy, distal, with early respiratory failure, autosomal dominant. Identifiers: Orphanet 178464, Orphanet 34521, MedGen C1863599, MONDO:0011362, OMIM 603689.

Allele frequency attached by ClinVar (database versions not stated): TOPMed below 0.00001; gnomAD exomes 0.00002 and below 0.00001.
gnomAD v4.1: 25 of 1,613,918 alleles (0.0015%); highest among the groups gnomAD compares: Non-Finnish European, 0.0021%; no homozygotes.

Submissions (3):

Labcorp Genetics (formerly Invitae), Labcorp
Classification: Uncertain significance for Dilated cardiomyopathy 1G; Autosomal recessive limb-girdle muscular dystrophy type 2J. Last evaluated: 2025-11-25. Review status: criteria provided, single submitter. Criteria: Invitae Variant Classification Sherloc (09022015). Collection method: clinical testing. Allele origin: germline.
Comment: This sequence change replaces alanine, which is neutral and non-polar, with serine, which is neutral and polar, at codon 35764 of the TTN protein (p.Ala35764Ser). This variant is present in population databases (no rsID available, gnomAD 0.0009%). This variant has not been reported in the literature in individuals affected with TTN-related conditions. ClinVar contains an entry for this variant (Variation ID: 534983). Experimental studies and prediction algorithms are not available or were not evaluated, and the functional significance of this variant is currently unknown. This variant is located in the M band of TTN (PMID: 25589632). Non-truncating variants in this region may be relevant for neuromuscular disorders, but have not been definitively shown to cause cardiomyopathy (PMID: 23975875). In summary, the available evidence is currently insufficient to determine the role of this variant in disease. Therefore, it has been classified as a Variant of Uncertain Significance.

Women's Health and Genetics/Laboratory Corporation of America, LabCorp
Classification: Uncertain significance. Last evaluated: 2022-01-24. Review status: criteria provided, single submitter. Criteria: LabCorp Variant Classification Summary - May 2015. Collection method: clinical testing. Allele origin: germline.
Comment: Variant summary: TTN c.99586G>T (p.Ala33196Ser) results in a conservative amino acid change located in the M-band of the encoded protein sequence. Two of four in-silico tools predict a benign effect of the variant on protein function. The variant allele was found at a frequency of 4e-06 in 249116 control chromosomes. The available data on variant occurrences in the general population are insufficient to allow any conclusion about variant significance. c.99586G>T has been reported in the literature in individuals affected with HCM without strong evidence for causality (Thomson_2018). This report does not provide unequivocal conclusions about association of the variant with Dilated Cardiomyopathy. To our knowledge, no experimental evidence demonstrating an impact on protein function has been reported. One clinical diagnostic laboratory has submitted clinical-significance assessments for this variant to ClinVar after 2014 without evidence for independent evaluation. One laboratory classified the variant as uncertain significance. Based on the evidence outlined above, the variant was classified as uncertain significance.

Fulgent Genetics
Classification: Uncertain significance for Tibial muscular dystrophy; Myopathy, myofibrillar, 9, with early respiratory failure; Dilated cardiomyopathy 1G; Autosomal recessive limb-girdle muscular dystrophy type 2J; Early-onset myopathy with fatal cardiomyopathy; Hypertrophic cardiomyopathy 9. Last evaluated: 2021-07-07. Review status: criteria provided, single submitter. Criteria: ACMG Guidelines, 2015. Collection method: clinical testing. Allele origin: unknown.

Literature cited by the submitters: PubMed 25589632 (cited by Labcorp Genetics (formerly Invitae), Labcorp); PubMed 23975875 (cited by Labcorp Genetics (formerly Invitae), Labcorp); PubMed 30531895 (cited by Women's Health and Genetics/Laboratory Corporation of America, LabCorp).